The following is an entry in ClinVar:

NM_001077653.2(TBX20):c.1099G>A (p.Ala367Thr)

Gene: TBX20 (T-box transcription factor 20; minus strand). Cytogenetic location: 7p14.2.
Variant type: single nucleotide variant.
Coding change: c.1099G>A on transcript NM_001077653.2 (MANE Select); coding-DNA position 1099, G replaced by A.
Protein change: p.Ala367Thr; replaces alanine 367 with threonine.
Molecular consequence: missense variant.
Genome position (GRCh38, 1-based): chr7:35,202,675, C>T on the plus strand (G>A on the coding strand, the complement: TBX20 is on the minus strand). VCF-style: chr7-35202675-C-T. GRCh37 (hg19) VCF-style: chr7-35242287-C-T.
Other names: short protein forms A367T.
Identifiers: ClinVar variation 3324859 (VCV003324859.3).

ClinVar aggregate classification (germline): Uncertain significance. Review status: criteria provided, multiple submitters, no conflicts (2 of 4 stars). 2 submissions from 2 submitters: Uncertain significance (2). Last evaluated 2025-07-20.

Conditions:
Cardiovascular phenotype. Identifiers: MedGen CN230736.

gnomAD v4.1: 3 of 1,612,222 alleles (0.00019%); highest among the groups gnomAD compares: East Asian, 0.0067%; no homozygotes.

Submissions (2):

Labcorp Genetics (formerly Invitae), Labcorp
Classification: Uncertain significance. Last evaluated: 2025-07-20. Review status: criteria provided, single submitter. Criteria: Invitae Variant Classification Sherloc (09022015). Collection method: clinical testing. Allele origin: germline.
Comment: This sequence change replaces alanine, which is neutral and non-polar, with threonine, which is neutral and polar, at codon 367 of the TBX20 protein (p.Ala367Thr). This variant is not present in population databases (gnomAD no frequency). This variant has not been reported in the literature in individuals affected with TBX20-related conditions. ClinVar contains an entry for this variant (Variation ID: 3324859). Invitae Evidence Modeling of protein sequence and biophysical properties (such as structural, functional, and spatial information, amino acid conservation, physicochemical variation, residue mobility, and thermodynamic stability) indicates that this missense variant is not expected to disrupt TBX20 protein function with a negative predictive value of 80%. In summary, the available evidence is currently insufficient to determine the role of this variant in disease. Therefore, it has been classified as a Variant of Uncertain Significance.

Ambry Genetics
Classification: Uncertain significance for Cardiovascular phenotype. Last evaluated: 2024-03-16. Review status: criteria provided, single submitter. Criteria: Ambry Variant Classification Scheme 2023. Collection method: clinical testing. Allele origin: germline.
Comment: The p.A367T variant (also known as c.1099G>A), located in coding exon 8 of the TBX20 gene, results from a G to A substitution at nucleotide position 1099. The alanine at codon 367 is replaced by threonine, an amino acid with similar properties. This amino acid position is conserved. In addition, the in silico prediction for this alteration is inconclusive. Based on the available evidence, the clinical significance of this alteration remains unclear.